The following is an entry in ClinVar:

ClinVar aggregate classification (germline): Benign (0 of 4 stars; one submission).

Conditions:
DMXL1-related disorder. Also called: DMXL1-related condition.

Allele frequency attached by ClinVar (database versions not stated): 1000 Genomes Project 30x 0.00843; 1000 Genomes Project 0.00859; ExAC 0.01316; gnomAD 0.01330; TOPMed 0.01397; ESP Exome Variant Server 0.01453; gnomAD exomes 0.01527.

Submission:

PreventionGenetics, part of Exact Sciences
Classification: Benign for DMXL1-related condition. Last evaluated: 2019-03-20. Review status: no assertion criteria provided. Collection method: clinical testing. Allele origin: germline.
Comment: This variant is classified as benign based on ACMG/AMP sequence variant interpretation guidelines (Richards et al. 2015 PMID: 25741868, with internal and published modifications).

NM_001290321.3(DMXL1):c.4765A>G (p.Met1589Val)

Gene: DMXL1 (Dmx like 1; plus strand). Cytogenetic location: 5q23.1.
Variant type: single nucleotide variant.
Coding change: c.4765A>G on transcript NM_001290321.3 (MANE Select); coding-DNA position 4765, A replaced by G.
Protein change: p.Met1589Val; replaces methionine 1589 with valine.
Molecular consequence: missense variant. On other transcripts: non-coding transcript variant (3).
Genome position (GRCh38, 1-based): chr5:119,164,569, A>G. VCF-style: chr5-119164569-A-G. GRCh37 (hg19) VCF-style: chr5-118500264-A-G.
Other names: c.4765A>G, p.Met1589Val (NM_001349239.2, NM_001349240.2, NM_001387933.1 and 2 more transcripts); c.4060A>G, p.Met1354Val (NM_001387937.1); c.3778A>G, p.Met1260Val (NM_001387938.1); short protein forms M1260V, M1354V, M1589V.
Identifiers: ClinVar variation 3055542 (VCV003055542.2), dbSNP rs116379331, ClinGen allele CA3380208.